The following is an entry in ClinVar:

ClinVar aggregate classification (germline): Uncertain significance. Review status: criteria provided, multiple submitters, no conflicts (2 of 4 stars). 4 submissions from 4 submitters: Uncertain significance (4). Last evaluated 2026-01-26.

Conditions:
RECON progeroid syndrome (RECON). Identifiers: MedGen C5830504, MONDO:0957266, OMIM 620370.

Allele frequency attached by ClinVar (database versions not stated): gnomAD 0.00001; TOPMed 0.00002; gnomAD exomes 0.00005; ExAC 0.00009.
gnomAD v4.1: 11 of 1,532,062 alleles (0.00072%); highest among the groups gnomAD compares: East Asian, 0.027%; no homozygotes.

Submissions (4):

Labcorp Genetics (formerly Invitae), Labcorp
Classification: Uncertain significance. Last evaluated: 2026-01-26. Review status: criteria provided, single submitter. Criteria: Invitae Variant Classification Sherloc (09022015). Collection method: clinical testing. Allele origin: germline.
Comment: This sequence change replaces arginine, which is basic and polar, with glycine, which is neutral and non-polar, at codon 599 of the RECQL protein (p.Arg599Gly). This variant is present in population databases (rs773438480, gnomAD 0.09%), and has an allele count higher than expected for a pathogenic variant. This variant has not been reported in the literature in individuals affected with RECQL-related conditions. ClinVar contains an entry for this variant (Variation ID: 1307575). An algorithm developed to predict the effect of missense changes on protein structure and function outputs the following: PolyPhen-2: "Benign". The glycine amino acid residue is found in multiple mammalian species, which suggests that this missense change does not adversely affect protein function. In summary, the available evidence is currently insufficient to determine the role of this variant in disease. Therefore, it has been classified as a Variant of Uncertain Significance.

Ambry Genetics
Classification: Uncertain significance. Last evaluated: 2025-11-25. Review status: criteria provided, single submitter. Criteria: Ambry Variant Classification Scheme 2023. Collection method: clinical testing. Allele origin: germline.
Comment: The p.R599G variant (also known as c.1795A>G), located in coding exon 13 of the RECQL gene, results from an A to G substitution at nucleotide position 1795. The arginine at codon 599 is replaced by glycine, an amino acid with dissimilar properties. This amino acid position is conserved. In addition, this alteration is predicted to be tolerated by in silico analysis. Since supporting evidence is limited at this time, the clinical significance of this alteration remains unclear.

Fulgent Genetics
Classification: Uncertain significance for RECON progeroid syndrome. Last evaluated: 2024-02-24. Review status: criteria provided, single submitter. Criteria: ACMG Guidelines, 2015. Collection method: clinical testing. Allele origin: germline.

GeneDx
Classification: Uncertain significance. Last evaluated: 2019-08-02. Review status: criteria provided, single submitter. Criteria: GeneDx Variant Classification Process June 2021. Collection method: clinical testing. Allele origin: germline. Affected: yes.
Comment: In silico analysis, which includes protein predictors and evolutionary conservation, supports that this variant does not alter protein structure/function; Has not been previously published as pathogenic or benign to our knowledge

NM_002907.4(RECQL):c.1795A>G (p.Arg599Gly)

Genes: PYROXD1 (pyridine nucleotide-disulphide oxidoreductase domain 1; plus strand), RECQL (RecQ like helicase; minus strand). Cytogenetic location: 12p12.1.
Variant type: single nucleotide variant.
Coding change: c.1795A>G on transcript NM_002907.4 (MANE Select); coding-DNA position 1795, A replaced by G.
Protein change: p.Arg599Gly; replaces arginine 599 with glycine.
Molecular consequence: missense variant. On other transcripts: 3 prime UTR variant (3).
Genome position (GRCh38, 1-based): chr12:21,470,971, T>C on the plus strand (A>G on the coding strand, the complement: RECQL is on the minus strand). VCF-style: chr12-21470971-T-C. GRCh37 (hg19) VCF-style: chr12-21623905-T-C.
Other names: c.1795A>G, p.Arg599Gly (NM_032941.3); c.*2217T>C (NM_001350912.2, NM_001350913.2, NM_024854.5); short protein forms R599G.
Identifiers: ClinVar variation 1307575 (VCV001307575.13), dbSNP rs773438480, ClinGen allele CA6478650.